The following is an entry in ClinVar:

NM_002691.4(POLD1):c.3218+4T>C

Gene: POLD1 (DNA polymerase delta 1, catalytic subunit; plus strand). Cytogenetic location: 19q13.33.
Variant type: single nucleotide variant.
Coding change: c.3218+4T>C on transcript NM_002691.4 (MANE Select); 4 bases into the intron after coding-DNA position 3218, T replaced by C.
Molecular consequence: intron variant.
Genome position (GRCh38, 1-based): chr19:50,417,273, T>C. VCF-style: chr19-50417273-T-C. GRCh37 (hg19) VCF-style: chr19-50920530-T-C.
Other names: c.3296+4T>C (LRG_785t2, NM_001308632.1); c.3218+4T>C (LRG_785t1, NM_001256849.1).
Identifiers: ClinVar variation 647102 (VCV000647102.13), dbSNP rs1228955696, ClinGen allele CA883189543.

ClinVar aggregate classification (germline): Uncertain significance. Review status: criteria provided, multiple submitters, no conflicts (2 of 4 stars). 2 submissions from 2 submitters: Uncertain significance (2). Last evaluated 2024-12-16.

Conditions:
Hereditary cancer-predisposing syndrome. Also called: Hereditary neoplastic syndrome; Tumor predisposition; Hereditary Cancer Syndrome; Neoplastic Syndromes, Hereditary. Identifiers: Orphanet 140162, MedGen C0027672, MeSH D009386, MONDO:0015356.
POLD1-related polyposis and colorectal cancer syndrome (CRCS10). Also called: Colorectal cancer, susceptibility to, 10; Colorectal cancer 10; COLORECTAL CANCER, SUSCEPTIBILITY TO, ON CHROMOSOME 19q. Identifiers: Orphanet 220460, MedGen C2675481, MONDO:0012953, OMIM 612591.

Allele frequency attached by ClinVar (database versions not stated): gnomAD 0.00001; gnomAD exomes 0.00001; TOPMed 0.00002.
gnomAD v4.1: 10 of 1,584,146 alleles (0.00063%); highest among the groups gnomAD compares: East Asian, 0.02%; no homozygotes.

Submissions (2):

Ambry Genetics
Classification: Uncertain significance for Hereditary cancer-predisposing syndrome. Last evaluated: 2024-12-16. Review status: criteria provided, single submitter. Criteria: Ambry Variant Classification Scheme 2023. Collection method: clinical testing. Allele origin: germline.
Comment: The c.3218+4T>C intronic variant results from a T to C substitution 4 nucleotides after coding exon 25 in the POLD1 gene. This nucleotide position is poorly conserved in available vertebrate species. In silico splice site analysis predicts that this alteration will not have any significant effect on splicing. Based on the available evidence, the clinical significance of this variant remains unclear.

Labcorp Genetics (formerly Invitae), Labcorp
Classification: Uncertain significance for POLD1-related polyposis and colorectal cancer syndrome. Last evaluated: 2024-12-02. Review status: criteria provided, single submitter. Criteria: Invitae Variant Classification Sherloc (09022015). Collection method: clinical testing. Allele origin: germline.
Comment: This sequence change falls in intron 26 of the POLD1 gene. It does not directly change the encoded amino acid sequence of the POLD1 protein. It affects a nucleotide within the consensus splice site. This variant is not present in population databases (gnomAD no frequency). This variant has not been reported in the literature in individuals affected with POLD1-related conditions. ClinVar contains an entry for this variant (Variation ID: 647102). Variants that disrupt the consensus splice site are a relatively common cause of aberrant splicing (PMID: 17576681, 9536098). Algorithms developed to predict the effect of sequence changes on RNA splicing suggest that this variant is not likely to affect RNA splicing. In summary, the available evidence is currently insufficient to determine the role of this variant in disease. Therefore, it has been classified as a Variant of Uncertain Significance.

Literature cited by the submitters: PubMed 17576681 (cited by Labcorp Genetics (formerly Invitae), Labcorp); PubMed 9536098 (cited by Labcorp Genetics (formerly Invitae), Labcorp).